The following is an entry in ClinVar:

ClinVar aggregate classification (germline): Pathogenic/Likely pathogenic. Review status: criteria provided, multiple submitters, no conflicts (2 of 4 stars). 2 submissions from 2 submitters: Pathogenic (1); Likely pathogenic (1). Last evaluated 2024-07-21.

Conditions:
Retinitis pigmentosa 39 (RP39). Identifiers: Orphanet 791, MedGen C3151138, MONDO:0013436, OMIM 613809.
USH2A-related disorder. Also called: USH2A-related disorders; USH2A-related condition. Identifiers: MedGen CN239332.

Submissions (2):

Myriad Genetics, Inc.
Classification: Pathogenic for USH2A-related disorder. Last evaluated: 2024-07-21. Review status: criteria provided, single submitter. Criteria: Myriad Autosomal Dominant, Autosomal Recessive and X-Linked Classification Criteria (2023). Collection method: clinical testing. Allele origin: unknown.
Comment: NM_206933.2(USH2A):c.1279_1280delAA(N427Wfs*7) is expected to be pathogenic in the context of USH2A-related disorders. This variant is predicted to lead to an abnormal or absent protein product due to the creation of a premature termination codon in USH2A, a gene where loss-of-function variants are known to be pathogenic. Please note: this variant was assessed in the context of healthy population screening.

Baylor Genetics
Classification: Likely pathogenic for Retinitis pigmentosa 39. Last evaluated: 2023-05-04. Review status: criteria provided, single submitter. Criteria: ACMG Guidelines, 2015. Collection method: clinical testing. Allele origin: unknown.

NM_206933.4(USH2A):c.1279_1280del (p.Asn427fs)

Gene: USH2A (usherin; minus strand). Cytogenetic location: 1q41.
Variant type: Deletion.
Coding change: c.1279_1280del on transcript NM_206933.4 (MANE Select); coding-DNA positions 1279 to 1280, 2 bases deleted (AA; older notation c.1279_1280delAA).
Protein change: p.Asn427fs; shifts the reading frame from asparagine 427.
Molecular consequence: frameshift variant.
Genome position (GRCh38, 1-based): chr1:216,324,216-216,324,217, TT deleted on the plus strand (AA on the coding strand, the reverse complement: USH2A is on the minus strand). VCF-style (leftmost placement, unchanged base first): chr1-216324215-ATT-A. GRCh37 (hg19) VCF-style: chr1-216497557-ATT-A.
Other names: c.1279_1280del, p.Asn427fs (NM_007123.6); short protein forms N427fs.
Identifiers: ClinVar variation 2679500 (VCV002679500.2), dbSNP rs2527436136, ClinGen allele CA2695200018.